The following is an entry in ClinVar:

NM_005902.4(SMAD3):c.*2444A>G

Gene: SMAD3 (SMAD family member 3; plus strand). Cytogenetic location: 15q22.33.
Variant type: single nucleotide variant.
Coding change: c.*2444A>G on transcript NM_005902.4 (MANE Select); 2444 bases downstream of the stop codon, A replaced by G.
Molecular consequence: 3 prime UTR variant.
Genome position (GRCh38, 1-based): chr15:67,192,980, A>G. VCF-style: chr15-67192980-A-G. GRCh37 (hg19) VCF-style: chr15-67485318-A-G.
Other names: c.*2444A>G (NM_001145102.2, NM_001145103.2, NM_001145104.2).
Identifiers: ClinVar variation 316939 (VCV000316939.6), dbSNP rs145102966, ClinGen allele CA10636449.
Genomic context (GRCh38, chr15:67,192,980, plus strand): 5'-TACTTCCTTGGCCCTTTTTCTTTATTGACTAGACCACCAGAGGAGGATGTGTGGGATTGT[A>G]GGCAAACCCACCTGTGGCATCACTGAAAATAAATTTGATCATACCTAAGAGGTTAGGAAA-3'

ClinVar aggregate classification (germline): Likely benign (1 of 4 stars; one submission).

Conditions:
Aneurysm-osteoarthritis syndrome. Also called: SMAD3-Related Loeys-Dietz Syndrome; Loeys-Dietz syndrome, type 1C; ANEURYSMS-OSTEOARTHRITIS SYNDROME; LOEYS-DIETZ SYNDROME WITH OSTEOARTHRITIS. Identifiers: Orphanet 284984, MedGen C3151087, MONDO:0013426, OMIM 613795.

Allele frequency attached by ClinVar (database versions not stated): gnomAD 0.00052 and 0.00065; TOPMed 0.00077; 1000 Genomes Project 30x 0.00203; 1000 Genomes Project 0.00240; gnomAD exomes 0.00268.
gnomAD v4.1: 316 of 233,196 alleles (0.14%); highest among the groups gnomAD compares: East Asian, 1.5%; 4 homozygotes.

Submission:

Illumina Laboratory Services, Illumina
Classification: Likely benign for Aneurysm-osteoarthritis syndrome. Last evaluated: 2017-04-27. Review status: criteria provided, single submitter. Criteria: ICSL Variant Classification Criteria 13 December 2019. Collection method: clinical testing. Allele origin: germline.
Comment: This variant was observed as part of a predisposition screen in an ostensibly healthy population. A literature search was performed for the gene, cDNA change, and amino acid change (where applicable). No publications were found based on this search. Allele frequency data from public databases allowed determination this variant is unlikely to cause disease. Therefore, this variant is classified as likely benign.